The following is an entry in ClinVar:

ClinVar aggregate classification (germline): Likely benign (1 of 4 stars; one submission).

Conditions:
Immunodeficiency 104. Also called: Severe Combined Immune Deficiency, Autosomal Recessive, TCell -Negative, B Cell-Positive, NK Cell-Positive, IL7R-Related; Severe combined immunodeficiency, autosomal recessive, T cell-negative, B cell-positive, NK cell-positive; IMMUNODEFICIENCY 104, SEVERE COMBINED; SCID, AUTOSOMAL RECESSIVE, T CELL-NEGATIVE, B CELL-POSITIVE, NK CELL-POSITIVE. Identifiers: MedGen C5676890, MONDO:0012163, OMIM 608971.

Allele frequency attached by ClinVar (database versions not stated): gnomAD exomes 0.00035; gnomAD 0.00216 and 0.00235; TOPMed 0.00222; 1000 Genomes Project 0.00240; 1000 Genomes Project 30x 0.00265.
gnomAD v4.1: 354 of 220,184 alleles (0.16%); highest among the groups gnomAD compares: African/African-American, 0.74%; 3 homozygotes.

Submission:

Illumina Laboratory Services, Illumina
Classification: Likely benign for Immunodeficiency 104. Last evaluated: 2018-01-13. Review status: criteria provided, single submitter. Criteria: ICSL Variant Classification Criteria 13 December 2019. Collection method: clinical testing. Allele origin: germline.
Comment: This variant was observed in the ICSL laboratory as part of a predisposition screen in an ostensibly healthy population. It had not been previously curated by ICSL or reported in the Human Gene Mutation Database (HGMD: prior to June 1st, 2018), and was therefore a candidate for classification through an automated scoring system. Utilizing variant allele frequency, disease prevalence and penetrance estimates, and inheritance mode, an automated score was calculated to assess if this variant is too frequent to cause the disease. Based on the score and internal cut-off values, a variant classified as likely benign is not then subjected to further curation. The score for this variant resulted in a classification of likely benign for this disease.

NM_002185.5(IL7R):c.*3089C>T

Gene: IL7R (interleukin 7 receptor; plus strand). Cytogenetic location: 5p13.2.
Variant type: single nucleotide variant.
Coding change: c.*3089C>T on transcript NM_002185.5 (MANE Select); 3089 bases downstream of the stop codon, C replaced by T.
Molecular consequence: 3 prime UTR variant. On other transcripts: non-coding transcript variant (1).
Genome position (GRCh38, 1-based): chr5:35,879,575, C>T. VCF-style: chr5-35879575-C-T. GRCh37 (hg19) VCF-style: chr5-35879677-C-T.
Identifiers: ClinVar variation 907330 (VCV000907330.4), dbSNP rs187963551, ClinGen allele CA116979318.
Genomic context (GRCh38, chr5:35,879,575, plus strand): 5'-TTACAAACATTTCGCAGAGCTGCTTAGTATATAAGCGTACAATGTATGTAATAACCATCT[C>T]ATATTTAATTAAATGGTATAGAAGAACACTTTGTGGCATGCCTGTTTTCTCTGGAAACTG-3'